The following is an entry in ClinVar:

NM_001038.6(SCNN1A):c.805T>C (p.Ser269Pro)

Gene: SCNN1A (sodium channel epithelial 1 subunit alpha; minus strand). Cytogenetic location: 12p13.31.
Variant type: single nucleotide variant.
Coding change: c.805T>C on transcript NM_001038.6 (MANE Select); coding-DNA position 805, T replaced by C.
Protein change: p.Ser269Pro; replaces serine 269 with proline.
Molecular consequence: missense variant.
Genome position (GRCh38, 1-based): chr12:6,362,121, A>G on the plus strand (T>C on the coding strand, the complement: SCNN1A is on the minus strand). VCF-style: chr12-6362121-A-G. GRCh37 (hg19) VCF-style: chr12-6471287-A-G.
Other names: c.805T>C (NM_001038.5); c.874T>C, p.Ser292Pro (NM_001159575.2); c.982T>C, p.Ser328Pro (NM_001159576.2); short protein forms S292P, S328P, S269P.
Identifiers: ClinVar variation 2175095 (VCV002175095.4), dbSNP rs147702347, ClinGen allele CA6406104.

ClinVar aggregate classification (germline): Uncertain significance. Review status: criteria provided, multiple submitters, no conflicts (2 of 4 stars). 2 submissions from 2 submitters: Uncertain significance (2). Last evaluated 2025-08-02.

Conditions:
Inborn genetic diseases. Identifiers: MedGen C0950123, MeSH D030342.

Allele frequency attached by ClinVar (database versions not stated): gnomAD exomes 0.00003; ExAC 0.00014; gnomAD 0.00041; ESP Exome Variant Server 0.00054; TOPMed 0.00054; 1000 Genomes Project 30x 0.00078; 1000 Genomes Project 0.00080.
gnomAD v4.1: 105 of 1,614,240 alleles (0.0065%); highest among the groups gnomAD compares: African/African-American, 0.13%; no homozygotes.

Submissions (2):

Ambry Genetics
Classification: Uncertain significance for Inborn genetic diseases. Last evaluated: 2025-08-02. Review status: criteria provided, single submitter. Criteria: Ambry Variant Classification Scheme 2023. Collection method: clinical testing. Allele origin: germline.

Labcorp Genetics (formerly Invitae), Labcorp
Classification: Uncertain significance. Last evaluated: 2022-05-05. Review status: criteria provided, single submitter. Criteria: Invitae Variant Classification Sherloc (09022015). Collection method: clinical testing. Allele origin: germline.
Comment: In summary, the available evidence is currently insufficient to determine the role of this variant in disease. Therefore, it has been classified as a Variant of Uncertain Significance. Algorithms developed to predict the effect of missense changes on protein structure and function (SIFT, PolyPhen-2, Align-GVGD) all suggest that this variant is likely to be tolerated. This variant has not been reported in the literature in individuals affected with SCNN1A-related conditions. This variant is present in population databases (rs147702347, gnomAD 0.1%). This sequence change replaces serine, which is neutral and polar, with proline, which is neutral and non-polar, at codon 269 of the SCNN1A protein (p.Ser269Pro).